The following is an entry in ClinVar:

NM_181882.3(PRX):c.1900A>G (p.Met634Val)

Gene: PRX (periaxin; minus strand). Cytogenetic location: 19q13.2.
Variant type: single nucleotide variant.
Coding change: c.1900A>G on transcript NM_181882.3 (MANE Select); coding-DNA position 1900, A replaced by G.
Protein change: p.Met634Val; replaces methionine 634 with valine.
Molecular consequence: missense variant. On other transcripts: 3 prime UTR variant (1).
Genome position (GRCh38, 1-based): chr19:40,396,452, T>C on the plus strand (A>G on the coding strand, the complement: PRX is on the minus strand). VCF-style: chr19-40396452-T-C. GRCh37 (hg19) VCF-style: chr19-40902359-T-C.
Other names: c.*2105A>G (NM_020956.2); short protein forms M634V.
Identifiers: ClinVar variation 449753 (VCV000449753.6), dbSNP rs201204029, ClinGen allele CA308420013.

ClinVar aggregate classification (germline): Uncertain significance. Review status: criteria provided, single submitter (1 of 4 stars). 2 submissions from 2 submitters: Uncertain significance (1). 1 of the submissions does not count toward it. Last evaluated 2021-10-25.

Conditions:
PRX-related disorder. Also called: PRX-Related Disorders; PRX-related condition.

Allele frequency attached by ClinVar (database versions not stated): gnomAD exomes below 0.00001.
gnomAD v4.1: 1 of 1,610,000 alleles (0.000062%); highest among the groups gnomAD compares: South Asian, 0.0011%; no homozygotes.

Submissions (2):

GeneDx
Classification: Uncertain significance. Last evaluated: 2021-10-25. Review status: criteria provided, single submitter. Criteria: GeneDx Variant Classification Process June 2021. Collection method: clinical testing. Allele origin: germline. Affected: yes.
Comment: Not observed at significant frequency in large population cohorts (Lek et al., 2016); In silico analysis supports that this missense variant does not alter protein structure/function; Has not been previously published as pathogenic or benign to our knowledge

PreventionGenetics, part of Exact Sciences
Classification: Uncertain significance for PRX-related condition. Last evaluated: 2024-07-19. Review status: no assertion criteria provided. Collection method: clinical testing. Allele origin: germline. Not counted in ClinVar's aggregate classification.
Comment: The PRX c.1900A>G variant is predicted to result in the amino acid substitution p.Met634Val. To our knowledge, this variant has not been reported in the literature or in a large population database, indicating this variant is rare. At this time, the clinical significance of this variant is uncertain due to the absence of conclusive functional and genetic evidence.